The following is an entry in ClinVar:

ClinVar aggregate classification (germline): Uncertain significance. Review status: criteria provided, multiple submitters, no conflicts (2 of 4 stars). 2 submissions from 2 submitters: Uncertain significance (2). Last evaluated 2025-12-09.

Allele frequency attached by ClinVar (database versions not stated): gnomAD exomes below 0.00001.
gnomAD v4.1: 1 of 1,614,224 alleles (0.000062%); highest among the groups gnomAD compares: Non-Finnish European, 0.000085%; no homozygotes.

Submissions (2):

Ambry Genetics
Classification: Uncertain significance. Last evaluated: 2025-12-09. Review status: criteria provided, single submitter. Criteria: Ambry Variant Classification Scheme 2023. Collection method: clinical testing. Allele origin: germline.

Labcorp Genetics (formerly Invitae), Labcorp
Classification: Uncertain significance. Last evaluated: 2022-09-10. Review status: criteria provided, single submitter. Criteria: Invitae Variant Classification Sherloc (09022015). Collection method: clinical testing. Allele origin: germline.
Comment: In summary, the available evidence is currently insufficient to determine the role of this variant in disease. Therefore, it has been classified as a Variant of Uncertain Significance. Advanced modeling of protein sequence and biophysical properties (such as structural, functional, and spatial information, amino acid conservation, physicochemical variation, residue mobility, and thermodynamic stability) has been performed at Invitae for this missense variant, however the output from this modeling did not meet the statistical confidence thresholds required to predict the impact of this variant on KL protein function. This variant has not been reported in the literature in individuals affected with KL-related conditions. This variant is not present in population databases (gnomAD no frequency). This sequence change replaces leucine, which is neutral and non-polar, with proline, which is neutral and non-polar, at codon 813 of the KL protein (p.Leu813Pro).

NM_004795.4(KL):c.2438T>C (p.Leu813Pro)

Gene: KL (klotho; plus strand). Cytogenetic location: 13q13.1.
Variant type: single nucleotide variant.
Coding change: c.2438T>C on transcript NM_004795.4 (MANE Select); coding-DNA position 2438, T replaced by C.
Protein change: p.Leu813Pro; replaces leucine 813 with proline.
Molecular consequence: missense variant.
Genome position (GRCh38, 1-based): chr13:33,061,517, T>C. VCF-style: chr13-33061517-T-C. GRCh37 (hg19) VCF-style: chr13-33635654-T-C.
Other names: c.2438T>C (NM_004795.3); short protein forms L813P.
Identifiers: ClinVar variation 2086554 (VCV002086554.5), dbSNP rs2501792290, ClinGen allele CA387797184.